The following is an entry in ClinVar:

ClinVar aggregate classification (germline): Likely benign (0 of 4 stars; one submission).

Conditions:
SEMA3G-related disorder. Also called: SEMA3G-related condition.

Allele frequency attached by ClinVar (database versions not stated): ESP Exome Variant Server 0.00015.
gnomAD v4.1: 294 of 1,613,736 alleles (0.018%); highest among the groups gnomAD compares: Non-Finnish European, 0.023%; no homozygotes.

Submission:

PreventionGenetics, part of Exact Sciences
Classification: Likely benign for SEMA3G-related condition. Last evaluated: 2021-06-22. Review status: no assertion criteria provided. Collection method: clinical testing. Allele origin: germline.
Comment: This variant is classified as likely benign based on ACMG/AMP sequence variant interpretation guidelines (Richards et al. 2015 PMID: 25741868, with internal and published modifications).

NM_020163.3(SEMA3G):c.1317C>A (p.Ile439=)

Gene: SEMA3G (semaphorin 3G; minus strand). Cytogenetic location: 3p21.1.
Variant type: single nucleotide variant.
Coding change: c.1317C>A on transcript NM_020163.3 (MANE Select); coding-DNA position 1317, C replaced by A.
Protein change: p.Ile439=; no amino-acid change (isoleucine 439 retained).
Molecular consequence: synonymous variant.
Genome position (GRCh38, 1-based): chr3:52,439,925, G>T on the plus strand (C>A on the coding strand, the complement: SEMA3G is on the minus strand). VCF-style: chr3-52439925-G-T. GRCh37 (hg19) VCF-style: chr3-52473941-G-T.
Identifiers: ClinVar variation 3051393 (VCV003051393.2), dbSNP rs149338010, ClinGen allele CA2437988.
Genomic context (GRCh38, chr3:52,439,925, plus strand): 5'-ACCAGTCCCCAGGAAAATGACATCGTAGGTCCCATCCTCTGCCTCCACGCGGTCCACCAC[G>T]ATCTGGTGTAGCTGCTGGGCCAGGTGGGTCTTGACAAGGACAGGGCGGCCATGTCGAGGC-3'
Protein context (NP_064548.1, residues 429-449): KTHLAQQLHQ[Ile439=]VVDRVEAEDG